The following is an entry in ClinVar:

NM_000368.5(TSC1):c.1459T>C (p.Ser487Pro)

Gene: TSC1 (TSC complex subunit 1; minus strand). Cytogenetic location: 9q34.13.
Variant type: single nucleotide variant.
Coding change: c.1459T>C on transcript NM_000368.5 (MANE Select); coding-DNA position 1459, T replaced by C.
Protein change: p.Ser487Pro; replaces serine 487 with proline.
Molecular consequence: missense variant. On other transcripts: non-coding transcript variant (5).
Genome position (GRCh38, 1-based): chr9:132,906,119, A>G on the plus strand (T>C on the coding strand, the complement: TSC1 is on the minus strand). VCF-style: chr9-132906119-A-G. GRCh37 (hg19) VCF-style: chr9-135781506-A-G.
Other names: c.1456T>C, p.Ser486Pro (NM_001162426.2, NM_001406597.1, NM_001406598.1 and 6 more transcripts); c.1306T>C, p.Ser436Pro (NM_001162427.2, NM_001406610.1); c.1096T>C, p.Ser366Pro (NM_001362177.2, NM_001406614.1, NM_001406615.1 and 5 more transcripts); c.1459T>C, p.Ser487Pro (NM_001406592.1, NM_001406593.1, NM_001406594.1 and 7 more transcripts); c.1303T>C, p.Ser435Pro (NM_001406612.1, NM_001406613.1, NM_001406611.1); c.1093T>C, p.Ser365Pro (NM_001406620.1, NM_001406621.1, NM_001406622.1 and 2 more transcripts); c.508T>C, p.Ser170Pro (NM_001406626.1); c.505T>C, p.Ser169Pro (NM_001406627.1, NM_001406628.1); and 1 more; short protein forms S169P, S170P, S136P, S436P, S486P, S365P, S366P, S435P.
Identifiers: ClinVar variation 2771992 (VCV002771992.4), dbSNP rs2131849772, ClinGen allele CA375365545.

ClinVar aggregate classification (germline): Uncertain significance. Review status: criteria provided, multiple submitters, no conflicts (2 of 4 stars). 2 submissions from 2 submitters: Uncertain significance (2). Last evaluated 2024-09-25.

Conditions:
Hereditary cancer-predisposing syndrome. Also called: Hereditary neoplastic syndrome; Hereditary Cancer Syndrome; Neoplastic Syndromes, Hereditary; Tumor predisposition. Identifiers: Orphanet 140162, MedGen C0027672, MeSH D009386, MONDO:0015356.
Tuberous sclerosis 1 (TSC1). Identifiers: Orphanet 805, MedGen C1854465, MONDO:0008612, OMIM 191100.

Submissions (2):

Ambry Genetics
Classification: Uncertain significance for Hereditary cancer-predisposing syndrome. Last evaluated: 2024-09-25. Review status: criteria provided, single submitter. Criteria: Ambry Variant Classification Scheme 2023. Collection method: clinical testing. Allele origin: germline.
Comment: The p.S487P variant (also known as c.1459T>C), located in coding exon 13 of the TSC1 gene, results from a T to C substitution at nucleotide position 1459. The serine at codon 487 is replaced by proline, an amino acid with similar properties. This amino acid position is conserved. In addition, the in silico prediction for this alteration is inconclusive. Based on the available evidence, the clinical significance of this variant remains unclear.

Labcorp Genetics (formerly Invitae), Labcorp
Classification: Uncertain significance for Tuberous sclerosis 1. Last evaluated: 2024-03-16. Review status: criteria provided, single submitter. Criteria: Invitae Variant Classification Sherloc (09022015). Collection method: clinical testing. Allele origin: germline.
Comment: This sequence change replaces serine, which is neutral and polar, with proline, which is neutral and non-polar, at codon 487 of the TSC1 protein (p.Ser487Pro). This variant is not present in population databases (gnomAD no frequency). This variant has not been reported in the literature in individuals affected with TSC1-related conditions. Advanced modeling of protein sequence and biophysical properties (such as structural, functional, and spatial information, amino acid conservation, physicochemical variation, residue mobility, and thermodynamic stability) has been performed at Invitae for this missense variant, however the output from this modeling did not meet the statistical confidence thresholds required to predict the impact of this variant on TSC1 protein function. In summary, the available evidence is currently insufficient to determine the role of this variant in disease. Therefore, it has been classified as a Variant of Uncertain Significance.